The following is an entry in ClinVar:

NM_022124.6(CDH23):c.3293A>G (p.Asn1098Ser)

Genes: C10orf105 (chromosome 10 open reading frame 105; minus strand), CDH23 (cadherin related 23; plus strand). Cytogenetic location: 10q22.1.
Variant type: single nucleotide variant.
Coding change: c.3293A>G on transcript NM_022124.6 (MANE Select); coding-DNA position 3293, A replaced by G.
Protein change: p.Asn1098Ser; replaces asparagine 1098 with serine.
Molecular consequence: missense variant. On other transcripts: 3 prime UTR variant (2).
Genome position (GRCh38, 1-based): chr10:71,712,737, A>G. VCF-style: chr10-71712737-A-G. GRCh37 (hg19) VCF-style: chr10-73472494-A-G.
Other names: c.*3199T>C (NM_001164375.3, NM_001168390.2); c.3293A>G, p.Asn1098Ser (NM_001171930.2); short protein forms N1098S.
Identifiers: ClinVar variation 45913 (VCV000045913.60), dbSNP rs41281310, ClinGen allele CA137364.
Genomic context (GRCh38, chr10:71,712,737, plus strand): 5'-TAGGGAAGCGACACACGGGCACAGCCACCGTGTTCGTCACTGTCCTGGATGTGAATGACA[A>G]CCGGCCCATCTTTCTGCAGAGCAGCTATGAGGCCAGCGTCCCTGAGGACATCCCTGAAGG-3'
Protein context (NP_071407.4, residues 1088-1108): VFVTVLDVND[Asn1098Ser]RPIFLQSSYE

ClinVar aggregate classification (germline): Benign/Likely benign. Review status: criteria provided, multiple submitters, no conflicts (2 of 4 stars). 12 submissions from 12 submitters: Benign (4); Likely benign (6). 2 of the submissions do not count toward it. Last evaluated 2026-01-28.

Conditions:
CDH23-related disorder. Also called: CDH23-related condition; CDH23-related disorders.
Usher syndrome type 1 (USH1). Also called: RETINITIS PIGMENTOSA AND CONGENITAL DEAFNESS. Identifiers: Orphanet 231169, Orphanet 886, MedGen C1568247, MONDO:0010168, OMIM 276900.
Retinitis pigmentosa-deafness syndrome. Also called: Retinitis pigmentosa 8, formerly; RP8, formerly; Retinitis pigmentosa 21, formerly; RP21, formerly; RETINITIS PIGMENTOSA 21; RETINITIS PIGMENTOSA 8. Identifiers: MedGen C5779620, MONDO:0010775, OMIM 500004.

Allele frequency attached by ClinVar (database versions not stated): 1000 Genomes Project 30x 0.00094; 1000 Genomes Project 0.00100; gnomAD exomes 0.00227 and 0.00439; ExAC 0.00242; gnomAD 0.00248 and 0.00258; TOPMed 0.00276; ESP Exome Variant Server 0.00318.
gnomAD v4.1: 6,682 of 1,613,678 alleles (0.41%); highest among the groups gnomAD compares: Non-Finnish European, 0.52%; 27 homozygotes.

Submissions (12):

Labcorp Genetics (formerly Invitae), Labcorp
Classification: Benign. Last evaluated: 2026-01-28. Review status: criteria provided, single submitter. Criteria: Invitae Variant Classification Sherloc (09022015). Collection method: clinical testing. Allele origin: germline.

CeGaT Center for Human Genetics Tuebingen
Classification: Likely benign. Last evaluated: 2025-10-01. Review status: criteria provided, single submitter. Criteria: CeGaT Center For Human Genetics Tuebingen Variant Classification Criteria Version 2. Collection method: clinical testing. Allele origin: germline. Affected: yes. Observed: 6 variant alleles.
Comment: CDH23: BP4, BS2

Mayo Clinic Laboratories, Mayo Clinic
Classification: Likely benign. Last evaluated: 2025-05-08. Review status: criteria provided, single submitter. Criteria: ACMG Guidelines, 2015. Collection method: clinical testing. Allele origin: germline. Observed: 3 variant alleles.
Comment: BS1, BS2

Women's Health and Genetics/Laboratory Corporation of America, LabCorp
Classification: Likely benign. Last evaluated: 2025-03-19. Review status: criteria provided, single submitter. Criteria: LabCorp Variant Classification Summary - May 2015. Collection method: clinical testing. Allele origin: germline.
Comment: Variant summary: CDH23 c.3293A>G (p.Asn1098Ser) results in a conservative amino acid change in the encoded protein sequence. Three of four in-silico tools predict a benign effect of the variant on protein function. The variant allele was found at a frequency of 0.0023 in 247856 control chromosomes, predominantly at a frequency of 0.0039 within the Non-Finnish European subpopulation in the gnomAD database, including one homozygote. The observed variant frequency within Non-Finnish European control individuals in the gnomAD database is approximately 1.2 fold of the estimated maximal expected allele frequency for a pathogenic variant in CDH23 causing Usher Syndrome phenotype (0.0032). To our knowledge, no occurrence of c.3293A>G in individuals affected with Usher Syndrome and no experimental evidence demonstrating its impact on protein function have been reported. ClinVar contains an entry for this variant (Variation ID: 45913). Based on the evidence outlined above, the variant was classified as likely benign.

Blueprint Genetics
Classification: Likely benign. Last evaluated: 2024-11-26. Review status: criteria provided, single submitter. Criteria: ACMG Guidelines, 2015. Collection method: clinical testing. Allele origin: germline.

ARUP Laboratories, Molecular Genetics and Genomics, ARUP Laboratories
Classification: Likely benign. Last evaluated: 2023-11-22. Review status: criteria provided, single submitter. Criteria: ARUP Molecular Germline Variant Investigation Process 2024. Collection method: clinical testing. Allele origin: germline.

Mendelics
Classification: Benign for Retinitis pigmentosa-deafness syndrome. Last evaluated: 2019-05-28. Review status: criteria provided, single submitter. Criteria: Mendelics Assertion Criteria 2017. Collection method: clinical testing. Allele origin: unknown.

GeneDx
Classification: Benign. Last evaluated: 2019-04-23. Review status: criteria provided, single submitter. Criteria: GeneDx Variant Classification Process June 2021. Collection method: clinical testing. Allele origin: germline. Affected: yes.
Comment: In silico analysis, which includes protein predictors and evolutionary conservation, supports that this variant does not alter protein structure/function; This variant is associated with the following publications: (PMID: 21078986, 27068579, 21228398, 18429043, 30245029)

Laboratory for Molecular Medicine, Mass General Brigham Personalized Medicine
Classification: Benign. Last evaluated: 2012-05-07. Review status: criteria provided, single submitter. Criteria: LMM Criteria. Collection method: clinical testing. Allele origin: germline. Observed: 13 variant alleles.
Comment: Asn1098Ser in Exon 28 of CDH23: This variant is not expected to have clinical si gnificance because it has been identified in 0.4% (24/6836) of European American chromosomes from a broad population by the NHLBI Exome Sequencing Project (dbSNP rs41281310).

Breakthrough Genomics
Classification: Likely benign. Review status: criteria provided, single submitter. Criteria: ACMG Guidelines, 2015. Collection method: not provided. Allele origin: germline. Inheritance: Autosomal recessive inheritance. Affected: yes.

PreventionGenetics, part of Exact Sciences
Classification: Likely benign for CDH23-related condition. Last evaluated: 2022-04-21. Review status: no assertion criteria provided. Collection method: clinical testing. Allele origin: germline. Not counted in ClinVar's aggregate classification.
Comment: This variant is classified as likely benign based on ACMG/AMP sequence variant interpretation guidelines (Richards et al. 2015 PMID: 25741868, with internal and published modifications).

Natera, Inc.
Classification: Likely benign for Usher syndrome type 1. Last evaluated: 2020-06-04. Review status: no assertion criteria provided. Collection method: clinical testing. Allele origin: germline. Not counted in ClinVar's aggregate classification.